The following is an entry in ClinVar:

ClinVar aggregate classification (germline): Uncertain significance (1 of 4 stars; one submission).

Submission:

Labcorp Genetics (formerly Invitae), Labcorp
Classification: Uncertain significance. Last evaluated: 2022-02-01. Review status: criteria provided, single submitter. Criteria: Invitae Variant Classification Sherloc (09022015). Collection method: clinical testing. Allele origin: germline.
Comment: This sequence change replaces methionine, which is neutral and non-polar, with isoleucine, which is neutral and non-polar, at codon 436 of the PIGB protein (p.Met436Ile). This variant is not present in population databases (gnomAD no frequency). This variant has not been reported in the literature in individuals affected with PIGB-related conditions. Algorithms developed to predict the effect of missense changes on protein structure and function (SIFT, PolyPhen-2, Align-GVGD) all suggest that this variant is likely to be tolerated. In summary, the available evidence is currently insufficient to determine the role of this variant in disease. Therefore, it has been classified as a Variant of Uncertain Significance.

NM_004855.5(PIGB):c.1308G>T (p.Met436Ile)

Gene: PIGB (phosphatidylinositol glycan anchor biosynthesis class B; plus strand). Cytogenetic location: 15q21.3.
Variant type: single nucleotide variant.
Coding change: c.1308G>T on transcript NM_004855.5 (MANE Select); coding-DNA position 1308, G replaced by T.
Protein change: p.Met436Ile; replaces methionine 436 with isoleucine.
Molecular consequence: missense variant.
Genome position (GRCh38, 1-based): chr15:55,350,883, G>T. VCF-style: chr15-55350883-G-T. GRCh37 (hg19) VCF-style: chr15-55643081-G-T.
Other names: short protein forms M436I.
Identifiers: ClinVar variation 2091555 (VCV002091555.4), dbSNP rs547705924, ClinGen allele CA392543799.